The following is an entry in ClinVar:

ClinVar aggregate classification (germline): Likely pathogenic (1 of 4 stars; one submission).

Conditions:
Rubinstein-Taybi syndrome (RSTS). Identifiers: Orphanet 783, MedGen C0035934, MONDO:0019188.

Submission:

Labcorp Genetics (formerly Invitae), Labcorp
Classification: Likely pathogenic for Rubinstein-Taybi syndrome. Last evaluated: 2023-05-31. Review status: criteria provided, single submitter. Criteria: Invitae Variant Classification Sherloc (09022015). Collection method: clinical testing. Allele origin: germline.
Comment: In summary, the currently available evidence indicates that the variant is pathogenic, but additional data are needed to prove that conclusively. Therefore, this variant has been classified as Likely Pathogenic. Advanced modeling of protein sequence and biophysical properties (such as structural, functional, and spatial information, amino acid conservation, physicochemical variation, residue mobility, and thermodynamic stability) performed at Invitae indicates that this missense variant is expected to disrupt CREBBP protein function. This missense change has been observed in individual(s) with Rubinstein-Taybi syndrome (Invitae). This variant is not present in population databases (gnomAD no frequency). This sequence change replaces tyrosine, which is neutral and polar, with asparagine, which is neutral and polar, at codon 1539 of the CREBBP protein (p.Tyr1539Asn).

NM_004380.3(CREBBP):c.4615T>A (p.Tyr1539Asn)

Gene: CREBBP (CREB binding lysine acetyltransferase; minus strand). Cytogenetic location: 16p13.3.
Variant type: single nucleotide variant.
Coding change: c.4615T>A on transcript NM_004380.3 (MANE Select); coding-DNA position 4615, T replaced by A.
Protein change: p.Tyr1539Asn; replaces tyrosine 1539 with asparagine.
Molecular consequence: missense variant.
Genome position (GRCh38, 1-based): chr16:3,736,149, A>T on the plus strand (T>A on the coding strand, the complement: CREBBP is on the minus strand). VCF-style: chr16-3736149-A-T. GRCh37 (hg19) VCF-style: chr16-3786150-A-T.
Other names: c.4501T>A, p.Tyr1501Asn (NM_001079846.1); short protein forms Y1539N, Y1501N.
Identifiers: ClinVar variation 2754891 (VCV002754891.3), dbSNP rs2548362072, ClinGen allele CA394562711.